The following is an entry in ClinVar:

NM_019032.6(ADAMTSL4):c.1544T>C (p.Ile515Thr)

Genes: ADAMTSL4 (ADAMTS like 4; plus strand), ADAMTSL4-AS2 (ADAMTSL4 antisense RNA 2; minus strand). Cytogenetic location: 1q21.2.
Variant type: single nucleotide variant.
Coding change: c.1544T>C on transcript NM_019032.6 (MANE Select); coding-DNA position 1544, T replaced by C.
Protein change: p.Ile515Thr; replaces isoleucine 515 with threonine.
Molecular consequence: missense variant.
Genome position (GRCh38, 1-based): chr1:150,556,334, T>C. VCF-style: chr1-150556334-T-C. GRCh37 (hg19) VCF-style: chr1-150528810-T-C.
Other names: c.1613T>C, p.Ile538Thr (NM_001288607.2, NM_001288608.2); c.1544T>C, p.Ile515Thr (NM_001378596.1, NM_025008.5); short protein forms I515T, I538T.
Identifiers: ClinVar variation 4708223 (VCV004708223.1).

ClinVar aggregate classification (germline): Uncertain significance (1 of 4 stars; one submission).

gnomAD v4.1: 3 of 1,613,940 alleles (0.00019%); highest among the groups gnomAD compares: African/African-American, 0.0013%; no homozygotes.

Submission:

Labcorp Genetics (formerly Invitae), Labcorp
Classification: Uncertain significance. Last evaluated: 2025-12-24. Review status: criteria provided, single submitter. Criteria: Invitae Variant Classification Sherloc (09022015). Collection method: clinical testing. Allele origin: germline.
Comment: This sequence change replaces isoleucine, which is neutral and non-polar, with threonine, which is neutral and polar, at codon 515 of the ADAMTSL4 protein (p.Ile515Thr). This variant is present in population databases (no rsID available, gnomAD 0.01%). This variant has not been reported in the literature in individuals affected with ADAMTSL4-related conditions. Invitae Evidence Modeling of protein sequence and biophysical properties (such as structural, functional, and spatial information, amino acid conservation, physicochemical variation, residue mobility, and thermodynamic stability) indicates that this missense variant is not expected to disrupt ADAMTSL4 protein function with a negative predictive value of 80%. In summary, the available evidence is currently insufficient to determine the role of this variant in disease. Therefore, it has been classified as a Variant of Uncertain Significance.